The following is an entry in ClinVar:

NM_000526.5(KRT14):c.863G>T (p.Arg288Leu)

Gene: KRT14 (keratin 14; minus strand). Cytogenetic location: 17q21.2.
Variant type: single nucleotide variant.
Coding change: c.863G>T on transcript NM_000526.5 (MANE Select); coding-DNA position 863, G replaced by T.
Protein change: p.Arg288Leu; replaces arginine 288 with leucine.
Molecular consequence: missense variant.
Genome position (GRCh38, 1-based): chr17:41,583,824, C>A on the plus strand (G>T on the coding strand, the complement: KRT14 is on the minus strand). VCF-style: chr17-41583824-C-A. GRCh37 (hg19) VCF-style: chr17-39740076-C-A.
Other names: short protein forms R288L.
Identifiers: ClinVar variation 2444582 (VCV002444582.3), dbSNP rs778867001, ClinGen allele CA399477373.
Genomic context (GRCh38, chr17:41,583,824, plus strand): 5'-GTGAAGAACCATTCCTCGGCATCCTTGCGGTTCTTCTCTGCCATCTTCTCATACTGGTCA[C>A]GCATCTCGTTCAGAATGCGGCTCAGGTCCACGCCAGGTGCAGCGTCCATCTCCACATTGA-3'
Protein context (NP_000517.3, residues 278-298): VDLSRILNEM[Arg288Leu]DQYEKMAEKN

ClinVar aggregate classification (germline): Pathogenic/Likely pathogenic. Review status: criteria provided, multiple submitters, no conflicts (2 of 4 stars). 2 submissions from 2 submitters: Pathogenic (1); Likely pathogenic (1). Last evaluated 2025-09-02.

Submissions (2):

Labcorp Genetics (formerly Invitae), Labcorp
Classification: Pathogenic. Last evaluated: 2025-09-02. Review status: criteria provided, single submitter. Criteria: Invitae Variant Classification Sherloc (09022015). Collection method: clinical testing. Allele origin: germline.
Comment: This sequence change replaces arginine, which is basic and polar, with leucine, which is neutral and non-polar, at codon 288 of the KRT14 protein (p.Arg288Leu). This variant is not present in population databases (gnomAD no frequency). This missense change has been observed in individuals with autosomal dominant epidermolysis bullosa simplex (PMID: 23993914, 34046686, 36430820; internal data). ClinVar contains an entry for this variant (Variation ID: 2444582). Invitae Evidence Modeling of protein sequence and biophysical properties (such as structural, functional, and spatial information, amino acid conservation, physicochemical variation, residue mobility, and thermodynamic stability) indicates that this missense variant is expected to disrupt KRT14 protein function with a positive predictive value of 80%. For these reasons, this variant has been classified as Pathogenic.

GeneDx
Classification: Likely pathogenic. Last evaluated: 2023-03-10. Review status: criteria provided, single submitter. Criteria: GeneDx Variant Classification Process June 2021. Collection method: clinical testing. Allele origin: germline. Affected: yes.
Comment: Not observed at significant frequency in large population cohorts (gnomAD); In silico analysis supports that this missense variant has a deleterious effect on protein structure/function; This variant is associated with the following publications: (PMID: 34046686, 23993914)

Literature cited by the submitters: PubMed 23993914 (cited by Labcorp Genetics (formerly Invitae), Labcorp); PubMed 34046686 (cited by Labcorp Genetics (formerly Invitae), Labcorp); PubMed 36430820 (cited by Labcorp Genetics (formerly Invitae), Labcorp).